The following is an entry in ClinVar:

ClinVar aggregate classification (germline): Uncertain significance (1 of 4 stars; one submission).

Conditions:
Inborn genetic diseases. Identifiers: MedGen C0950123, MeSH D030342.

Submission:

Ambry Genetics
Classification: Uncertain significance for Inborn genetic diseases. Last evaluated: 2025-03-19. Review status: criteria provided, single submitter. Criteria: Ambry Variant Classification Scheme 2023. Collection method: clinical testing. Allele origin: germline.
Comment: The p.D1063V variant (also known as c.3188A>T), located in coding exon 15 of the MECOM gene, results from an A to T substitution at nucleotide position 3188. The aspartic acid at codon 1063 is replaced by valine, an amino acid with highly dissimilar properties. This amino acid position is conserved. In addition, this alteration is predicted to be tolerated by in silico analysis. Based on the available evidence, the clinical significance of this variant remains unclear.

NM_004991.4(MECOM):c.3188A>T (p.Asp1063Val)

Gene: MECOM (MDS1 and EVI1 complex locus; minus strand). Cytogenetic location: 3q26.2.
Variant type: single nucleotide variant.
Coding change: c.3188A>T on transcript NM_004991.4 (MANE Select); coding-DNA position 3188, A replaced by T.
Protein change: p.Asp1063Val; replaces aspartic acid 1063 with valine.
Molecular consequence: missense variant.
Genome position (GRCh38, 1-based): chr3:169,090,213, T>A on the plus strand (A>T on the coding strand, the complement: MECOM is on the minus strand). VCF-style: chr3-169090213-T-A. GRCh37 (hg19) VCF-style: chr3-168808001-T-A.
Other names: c.2819A>T, p.Asp940Val (NM_001105077.4); c.2624A>T, p.Asp875Val (NM_001105078.4, NM_001205194.2, NM_001366469.2 and 1 more transcripts); c.2600A>T, p.Asp867Val (NM_001163999.2, NM_001366470.2); c.2597A>T, p.Asp866Val (NM_001164000.2, NM_001366471.2, NM_001366472.2); c.3161A>T, p.Asp1054Val (NM_001366466.2); c.2627A>T, p.Asp876Val (NM_001366467.2, NM_001366468.2); c.2189A>T, p.Asp730Val (NM_001366473.2); c.1625A>T, p.Asp542Val (NM_001366474.2); short protein forms D1063V, D542V, D730V, D1054V, D875V, D866V, D867V, D940V.
Identifiers: ClinVar variation 4053084 (VCV004053084.1).